The following is an entry in ClinVar:

NM_000208.4(INSR):c.*3623A>G

Genes: INSR (insulin receptor; minus strand), LOC129391047 (MPRA-validated peak3314 silencer; plus strand). Cytogenetic location: 19p13.2.
Variant type: single nucleotide variant.
Coding change: c.*3623A>G on transcript NM_000208.4 (MANE Select); 3623 bases downstream of the stop codon, A replaced by G.
Molecular consequence: 3 prime UTR variant.
Genome position (GRCh38, 1-based): chr19:7,113,433, T>C on the plus strand (A>G on the coding strand, the complement: INSR is on the minus strand). VCF-style: chr19-7113433-T-C. GRCh37 (hg19) VCF-style: chr19-7113444-T-C.
Other names: c.*3623A>G (NM_001079817.3).
Identifiers: ClinVar variation 330363 (VCV000330363.6), dbSNP rs77859571, ClinGen allele CA10652834.

ClinVar aggregate classification (germline): Benign. Review status: criteria provided, multiple submitters, no conflicts (2 of 4 stars). 4 submissions from 2 submitters: Benign (4). Last evaluated 2018-01-12.

Conditions:
Rabson-Mendenhall syndrome. Also called: MENDENHALL SYNDROME; Pineal Hyperplasia, Insulin-Resistant Diabetes Mellitus, and Somatic Abnormalities; Pineal hyperplasia AND diabetes mellitus syndrome. Identifiers: Orphanet 769, MedGen C0271695, MONDO:0009874, OMIM 262190.
Leprechaunism syndrome. Also called: Donohue syndrome; LEPRECHAUNISM. Identifiers: Orphanet 508, MedGen C0265344, MONDO:0009517, OMIM 246200.
Insulin-resistant diabetes mellitus AND acanthosis nigricans. Also called: Insulin-resistance syndrome type A; INSULIN RECEPTOR, DEFECT IN, WITH INSULIN-RESISTANT DIABETES MELLITUS AND ACANTHOSIS NIGRICANS; IRAN, TYPE A; type A insulin resistance; DIABETES MELLITUS, INSULIN-RESISTANT, WITH ACANTHOSIS NIGRICANS, TYPE A. Identifiers: Orphanet 2297, MedGen C0342278, MONDO:0012520, OMIM 610549.

Allele frequency attached by ClinVar (database versions not stated): gnomAD 0.04400 and 0.04482; TOPMed 0.04800; 1000 Genomes Project 30x 0.06652; 1000 Genomes Project 0.06849.

Submissions (4):

Illumina Laboratory Services, Illumina
Classification: Benign for Leprechaunism syndrome. Last evaluated: 2018-01-12. Review status: criteria provided, single submitter. Criteria: ICSL Variant Classification Criteria 13 December 2019. Collection method: clinical testing. Allele origin: germline.
Comment: This variant was observed in the ICSL laboratory as part of a predisposition screen in an ostensibly healthy population. It had not been previously curated by ICSL or reported in the Human Gene Mutation Database (HGMD: prior to June 1st, 2018), and was therefore a candidate for classification through an automated scoring system. Utilizing variant allele frequency, disease prevalence and penetrance estimates, and inheritance mode, an automated score was calculated to assess if this variant is too frequent to cause the disease. Based on the score and internal cut-off values, a variant classified as benign is not then subjected to further curation. The score for this variant resulted in a classification of benign for this disease.

Illumina Laboratory Services, Illumina
Classification: Benign for Rabson-Mendenhall syndrome. Last evaluated: 2018-01-12. Review status: criteria provided, single submitter. Criteria: ICSL Variant Classification Criteria 13 December 2019. Collection method: clinical testing. Allele origin: germline.
Comment: the same text as in the submission from Illumina Laboratory Services, Illumina above.

Illumina Laboratory Services, Illumina
Classification: Benign for Insulin-resistant diabetes mellitus AND acanthosis nigricans. Last evaluated: 2018-01-12. Review status: criteria provided, single submitter. Criteria: ICSL Variant Classification Criteria 13 December 2019. Collection method: clinical testing. Allele origin: germline.
Comment: the same text as in the submission from Illumina Laboratory Services, Illumina above.

Breakthrough Genomics
Classification: Benign. Review status: criteria provided, single submitter. Criteria: ACMG Guidelines, 2015. Collection method: not provided. Allele origin: germline. Inheritance: Autosomal recessive inheritance. Affected: yes.